The following is an entry in ClinVar:

ClinVar aggregate classification (germline): Benign/Likely benign. Review status: criteria provided, multiple submitters, no conflicts (2 of 4 stars). 6 submissions from 6 submitters: Benign (1); Likely benign (4). 1 of the submissions does not count toward it. Last evaluated 2026-04-01.

Conditions:
CACNA1A-related disorder. Also called: CACNA1A-related condition.
Inborn genetic diseases. Identifiers: MedGen C0950123, MeSH D030342.
Developmental and epileptic encephalopathy, 42 (DEE42A). Also called: DEVELOPMENTAL AND EPILEPTIC ENCEPHALOPATHY 42A; EPILEPTIC ENCEPHALOPATHY, EARLY INFANTILE, 42A; Epileptic encephalopathy, early infantile, 42. Identifiers: MedGen C4310716, MONDO:0014917, OMIM 617106.
Episodic ataxia type 2 (EA2). Also called: ATAXIA, EPISODIC, WITH NYSTAGMUS; ATAXIA, FAMILIAL PAROXYSMAL; CEREBELLAR ATAXIA, PAROXYSMAL, ACETAZOLAMIDE-RESPONSIVE; CEREBELLOPATHY, HEREDITARY PAROXYSMAL; ACETAZOLAMIDE-RESPONSIVE HEREDITARY PAROXYSMAL CEREBELLAR ATAXIA; EPISODIC ATAXIA, NYSTAGMUS-ASSOCIATED. Identifiers: Orphanet 97, MedGen C1720416, MONDO:0007163, OMIM 108500.

Submissions (6):

CeGaT Center for Human Genetics Tuebingen
Classification: Benign. Last evaluated: 2026-04-01. Review status: criteria provided, single submitter. Criteria: CeGaT Center For Human Genetics Tuebingen Variant Classification Criteria Version 2. Collection method: clinical testing. Allele origin: germline. Affected: yes. Observed: 11 variant alleles.
Comment: CACNA1A: BS1, BS2

Labcorp Genetics (formerly Invitae), Labcorp
Classification: Likely benign for Developmental and epileptic encephalopathy, 42; Episodic ataxia type 2. Last evaluated: 2025-12-05. Review status: criteria provided, single submitter. Criteria: Invitae Variant Classification Sherloc (09022015). Collection method: clinical testing. Allele origin: germline.

Ambry Genetics
Classification: Likely benign for Inborn genetic diseases. Last evaluated: 2022-09-16. Review status: criteria provided, single submitter. Criteria: Ambry Variant Classification Scheme 2023. Collection method: clinical testing. Allele origin: germline.

GeneDx
Classification: Likely benign. Last evaluated: 2021-10-27. Review status: criteria provided, single submitter. Criteria: GeneDx Variant Classification Process June 2021. Collection method: clinical testing. Allele origin: germline. Affected: yes.

Athena Diagnostics
Classification: Likely benign. Last evaluated: 2021-05-25. Review status: criteria provided, single submitter. Criteria: Athena Diagnostics criteria. Collection method: clinical testing. Allele origin: unknown.

PreventionGenetics, part of Exact Sciences
Classification: Likely benign for CACNA1A-related condition. Last evaluated: 2023-05-21. Review status: no assertion criteria provided. Collection method: clinical testing. Allele origin: germline. Not counted in ClinVar's aggregate classification.
Comment: This variant is classified as likely benign based on ACMG/AMP sequence variant interpretation guidelines (Richards et al. 2015 PMID: 25741868, with internal and published modifications).

NM_001127222.2(CACNA1A):c.2968GAGGGC[2] (p.990EG[2])

Gene: CACNA1A (calcium voltage-gated channel subunit alpha1 A; minus strand). Cytogenetic location: 19p13.13.
Variant type: Microsatellite.
Coding change: c.2968GAGGGC[2] on transcript NM_001127222.2 (MANE Select); two copies in a row of the 6-base unit GAGGGC starting at c.2968; the reference has three copies in a row; one copy, 6 bases deleted.
Protein change: p.990EG[2].
Molecular consequence: inframe deletion.
Genome position (GRCh38, 1-based): chr19:13,298,648-13,298,653, GCCCTC deleted on the plus strand (GAGGGC on the coding strand, the reverse complement: CACNA1A is on the minus strand); deleting any 6 consecutive bases within chr19:13,298,648-13,298,668 gives the same sequence; the position shown is the placement nearest the transcript's 3' end. VCF-style (leftmost placement, unchanged base first): chr19-13298647-GGCCCTC-G. GRCh37 (hg19) VCF-style: chr19-13409461-GGCCCTC-G.
Other names: c.2983_2988del (NM_000068.2); c.2980GAGGGC[2], p.994EG[2] (NM_000068.4, NM_023035.3); c.2971GAGGGC[2], p.991EG[2] (NM_001127221.2, NM_001174080.2); c.2983_2988delGAGGGC (NM_001127221.1); c.2980_2985del6 (NM_001127222.1).
Identifiers: ClinVar variation 422039 (VCV000422039.51), dbSNP rs764399373, ClinGen allele CA9240444.